The following is an entry in ClinVar:

ClinVar aggregate classification (germline): Uncertain significance (1 of 4 stars; one submission).

Submission:

Labcorp Genetics (formerly Invitae), Labcorp
Classification: Uncertain significance. Last evaluated: 2023-05-22. Review status: criteria provided, single submitter. Criteria: Invitae Variant Classification Sherloc (09022015). Collection method: clinical testing. Allele origin: germline.
Comment: In summary, the available evidence is currently insufficient to determine the role of this variant in disease. Therefore, it has been classified as a Variant of Uncertain Significance. Advanced modeling of protein sequence and biophysical properties (such as structural, functional, and spatial information, amino acid conservation, physicochemical variation, residue mobility, and thermodynamic stability) performed at Invitae indicates that this missense variant is not expected to disrupt NCSTN protein function. This variant has not been reported in the literature in individuals affected with NCSTN-related conditions. This variant is not present in population databases (gnomAD no frequency). This sequence change replaces leucine, which is neutral and non-polar, with arginine, which is basic and polar, at codon 538 of the NCSTN protein (p.Leu538Arg).

NM_015331.3(NCSTN):c.1613T>G (p.Leu538Arg)

Gene: NCSTN (nicastrin; plus strand). Cytogenetic location: 1q23.2.
Variant type: single nucleotide variant.
Coding change: c.1613T>G on transcript NM_015331.3 (MANE Select); coding-DNA position 1613, T replaced by G.
Protein change: p.Leu538Arg; replaces leucine 538 with arginine.
Molecular consequence: missense variant.
Genome position (GRCh38, 1-based): chr1:160,356,321, T>G. VCF-style: chr1-160356321-T-G. GRCh37 (hg19) VCF-style: chr1-160326111-T-G.
Other names: c.1553T>G, p.Leu518Arg (NM_001290184.2); c.1199T>G, p.Leu400Arg (NM_001290186.2); c.1613T>G, p.Leu538Arg (NM_001349729.2); short protein forms L518R, L400R, L538R.
Identifiers: ClinVar variation 2867191 (VCV002867191.3), dbSNP rs2525549086, ClinGen allele CA343282576.